The following is an entry in ClinVar:

NM_001035.3(RYR2):c.9116C>G (p.Thr3039Ser)

Gene: RYR2 (ryanodine receptor 2; plus strand). Cytogenetic location: 1q43.
Variant type: single nucleotide variant.
Coding change: c.9116C>G on transcript NM_001035.3 (MANE Select); coding-DNA position 9116, C replaced by G.
Protein change: p.Thr3039Ser; replaces threonine 3039 with serine.
Molecular consequence: missense variant.
Genome position (GRCh38, 1-based): chr1:237,699,013, C>G. VCF-style: chr1-237699013-C-G. GRCh37 (hg19) VCF-style: chr1-237862313-C-G.
Other names: short protein forms T3039S.
Identifiers: ClinVar variation 2811761 (VCV002811761.3), dbSNP rs1175249332, ClinGen allele CA345406597.
Genomic context (GRCh38, chr1:237,699,013, plus strand): 5'-TTTCCTCTTTAGGCAATGATGCAACATCAATTGTCAACTGTCTTCATATTTTGGGTCAGA[C>G]TTTGGATGCAAGGTAAATGGATACATTTTTACCTAAATAAATTACTATAATAATGATACA-3'
Protein context (NP_001026.2, residues 3029-3049): IVNCLHILGQ[Thr3039Ser]LDARTVMKTG

ClinVar aggregate classification (germline): Uncertain significance (1 of 4 stars; one submission).

Conditions:
Catecholaminergic polymorphic ventricular tachycardia 1. Also called: RYR2-Related Catecholaminergic Polymorphic Ventricular Tachycardia; VENTRICULAR TACHYCARDIA, CATECHOLAMINERGIC POLYMORPHIC, 1, WITH OR WITHOUT ATRIAL DYSFUNCTION AND/OR DILATED CARDIOMYOPATHY; VENTRICULAR TACHYCARDIA, STRESS-INDUCED POLYMORPHIC 1. Identifiers: Orphanet 3286, MedGen C1631597, MONDO:0011484, OMIM 604772.

Submission:

Labcorp Genetics (formerly Invitae), Labcorp
Classification: Uncertain significance for Catecholaminergic polymorphic ventricular tachycardia 1. Last evaluated: 2022-11-03. Review status: criteria provided, single submitter. Criteria: Invitae Variant Classification Sherloc (09022015). Collection method: clinical testing. Allele origin: germline.
Comment: In summary, the available evidence is currently insufficient to determine the role of this variant in disease. Therefore, it has been classified as a Variant of Uncertain Significance. Advanced modeling of protein sequence and biophysical properties (such as structural, functional, and spatial information, amino acid conservation, physicochemical variation, residue mobility, and thermodynamic stability) performed at Invitae indicates that this missense variant is not expected to disrupt RYR2 protein function. This variant has not been reported in the literature in individuals affected with RYR2-related conditions. This variant is not present in population databases (gnomAD no frequency). This sequence change replaces threonine, which is neutral and polar, with serine, which is neutral and polar, at codon 3039 of the RYR2 protein (p.Thr3039Ser).